The following is an entry in ClinVar:

NM_000124.4(ERCC6):c.2777del (p.Ala926fs)

Genes: ERCC6 (ERCC excision repair 6, chromatin remodeling factor; minus strand), LOC126860933 (BRD4-independent group 4 enhancer GRCh37_chr10:50679962-50681161; plus strand). Cytogenetic location: 10q11.23.
Variant type: Deletion.
Coding change: c.2777del on transcript NM_000124.4 (MANE Select); coding-DNA position 2777, one base deleted (C; older notation c.2777delC).
Protein change: p.Ala926fs; shifts the reading frame from alanine 926.
Molecular consequence: frameshift variant.
Genome position (GRCh38, 1-based): chr10:49,472,961, G deleted on the plus strand (C on the coding strand, the reverse complement: ERCC6 is on the minus strand). VCF-style (leftmost placement, unchanged base first): chr10-49472960-TG-T. GRCh37 (hg19) VCF-style: chr10-50681006-TG-T.
Other names: c.2777del, p.Ala926fs (NM_001346440.2); short protein forms A926fs.
Identifiers: ClinVar variation 1947351 (VCV001947351.5), dbSNP rs1564730556, ClinGen allele CA593780611.

ClinVar aggregate classification (germline): Pathogenic (1 of 4 stars; one submission).

Allele frequency attached by ClinVar (database versions not stated): gnomAD exomes below 0.00001; TOPMed below 0.00001.

Submission:

Labcorp Genetics (formerly Invitae), Labcorp
Classification: Pathogenic. Last evaluated: 2024-02-24. Review status: criteria provided, single submitter. Criteria: Invitae Variant Classification Sherloc (09022015). Collection method: clinical testing. Allele origin: germline.
Comment: This sequence change creates a premature translational stop signal (p.Ala926Glufs*26) in the ERCC6 gene. It is expected to result in an absent or disrupted protein product. Loss-of-function variants in ERCC6 are known to be pathogenic (PMID: 18628313, 29572252). This variant is present in population databases (no rsID available, gnomAD 0.003%). This variant has not been reported in the literature in individuals affected with ERCC6-related conditions. ClinVar contains an entry for this variant (Variation ID: 1947351). For these reasons, this variant has been classified as Pathogenic.

Literature cited by the submitters: PubMed 18628313; PubMed 29572252.